The following is an entry in ClinVar:

NM_182641.4(BPTF):c.7055G>A (p.Arg2352His)

Gene: BPTF (bromodomain PHD finger transcription factor; plus strand). Cytogenetic location: 17q24.2.
Variant type: single nucleotide variant.
Coding change: c.7055G>A on transcript NM_182641.4 (MANE Select); coding-DNA position 7055, G replaced by A.
Protein change: p.Arg2352His; replaces arginine 2352 with histidine.
Molecular consequence: missense variant.
Genome position (GRCh38, 1-based): chr17:67,945,763, G>A. VCF-style: chr17-67945763-G-A. GRCh37 (hg19) VCF-style: chr17-65941879-G-A.
Other names: c.7055G>A (NM_182641.3); c.7433G>A, p.Arg2478His (NM_004459.7); short protein forms R2478H, R2352H.
Identifiers: ClinVar variation 2176604 (VCV002176604.5), dbSNP rs782611352, ClinGen allele CA8726326.

ClinVar aggregate classification (germline): Uncertain significance. Review status: criteria provided, multiple submitters, no conflicts (2 of 4 stars). 2 submissions from 2 submitters: Uncertain significance (2). Last evaluated 2025-11-08.

Conditions:
Inborn genetic diseases. Identifiers: MedGen C0950123, MeSH D030342.

Allele frequency attached by ClinVar (database versions not stated): gnomAD 0.00001; ExAC 0.00002; TOPMed 0.00002.
gnomAD v4.1: 21 of 1,613,934 alleles (0.0013%); highest among the groups gnomAD compares: East Asian, 0.0045%; no homozygotes.

Submissions (2):

Ambry Genetics
Classification: Uncertain significance for Inborn genetic diseases. Last evaluated: 2025-11-08. Review status: criteria provided, single submitter. Criteria: Ambry Variant Classification Scheme 2023. Collection method: clinical testing. Allele origin: germline.

Labcorp Genetics (formerly Invitae), Labcorp
Classification: Uncertain significance. Last evaluated: 2022-06-10. Review status: criteria provided, single submitter. Criteria: Invitae Variant Classification Sherloc (09022015). Collection method: clinical testing. Allele origin: germline.
Comment: In summary, the available evidence is currently insufficient to determine the role of this variant in disease. Therefore, it has been classified as a Variant of Uncertain Significance. Algorithms developed to predict the effect of missense changes on protein structure and function output the following: SIFT: "Tolerated"; PolyPhen-2: "Benign"; Align-GVGD: "Class C0". The histidine amino acid residue is found in multiple mammalian species, which suggests that this missense change does not adversely affect protein function. This variant has not been reported in the literature in individuals affected with BPTF-related conditions. This variant is present in population databases (rs782611352, gnomAD 0.006%). This sequence change replaces arginine, which is basic and polar, with histidine, which is basic and polar, at codon 2478 of the BPTF protein (p.Arg2478His).